The following is an entry in ClinVar:

NM_199420.4(POLQ):c.4851A>C (p.Lys1617Asn)

Gene: POLQ (DNA polymerase theta; minus strand). Cytogenetic location: 3q13.33.
Variant type: single nucleotide variant.
Coding change: c.4851A>C on transcript NM_199420.4 (MANE Select); coding-DNA position 4851, A replaced by C.
Protein change: p.Lys1617Asn; replaces lysine 1617 with asparagine.
Molecular consequence: missense variant.
Genome position (GRCh38, 1-based): chr3:121,488,080, T>G on the plus strand (A>C on the coding strand, the complement: POLQ is on the minus strand). VCF-style: chr3-121488080-T-G. GRCh37 (hg19) VCF-style: chr3-121206927-T-G.
Other names: short protein forms K1617N.
Identifiers: ClinVar variation 1743582 (VCV001743582.2), dbSNP rs1340735610, ClinGen allele CA354093583.

ClinVar aggregate classification (germline): Uncertain significance (1 of 4 stars; one submission).

Submission:

Ambry Genetics
Classification: Uncertain significance. Last evaluated: 2022-03-20. Review status: criteria provided, single submitter. Criteria: Ambry Variant Classification Scheme 2023. Collection method: clinical testing. Allele origin: germline.
Comment: The p.K1617N variant (also known as c.4851A>C), located in coding exon 16 of the POLQ gene, results from an A to C substitution at nucleotide position 4851. The lysine at codon 1617 is replaced by asparagine, an amino acid with similar properties. This amino acid position is conserved. In addition, this alteration is predicted to be tolerated by in silico analysis. Since supporting evidence is limited at this time, the clinical significance of this alteration remains unclear.